The following is an entry in ClinVar:

ClinVar aggregate classification (germline): Pathogenic (1 of 4 stars; one submission).

Conditions:
EPILEPSY, CHILDHOOD ABSENCE, SUSCEPTIBILITY TO, 2 (ECA2). Identifiers: Orphanet 64280, MedGen C1843244, OMIM 607681.
Febrile seizures, familial, 8 (FEB8). Also called: CONVULSIONS, FAMILIAL FEBRILE, 8. Identifiers: Orphanet 36387, MedGen C1969810, MONDO:0011891, OMIM 607681.

Submission:

Labcorp Genetics (formerly Invitae), Labcorp
Classification: Pathogenic for Febrile seizures, familial, 8; EPILEPSY, CHILDHOOD ABSENCE, SUSCEPTIBILITY TO, 2. Last evaluated: 2023-12-21. Review status: criteria provided, single submitter. Criteria: Invitae Variant Classification Sherloc (09022015). Collection method: clinical testing. Allele origin: germline.
Comment: This variant is a gross deletion of the genomic region encompassing exon(s) 7-9 of the GABRG2 gene, which includes the termination codon. This deletion extends beyond the assayed region for this gene and therefore may encompass additional genes. While this deletion is not anticipated to lead to nonsense mediated decay, it is expected to alter mRNA translation or result in a truncated protein product. This variant has not been reported in the literature in individuals affected with GABRG2-related conditions. This variant disrupts a region of the GABRG2 protein in which other variant(s) (p.W429*) have been determined to be pathogenic (PMID: 18566737). This suggests that this is a clinically significant region of the protein, and that variants that disrupt it are likely to be disease-causing. For these reasons, this variant has been classified as Pathogenic.

Literature cited by the submitters: PubMed 18566737.

NC_000005.9:g.(?_161569150)_(161580374_?)del

Gene: GABRG2 (gamma-aminobutyric acid type A receptor subunit gamma2; plus strand). Cytogenetic location: 5q34.
Variant type: Deletion.
Identifiers: ClinVar variation 1385670 (VCV001385670.6).